The following is an entry in ClinVar:

NM_004415.4(DSP):c.6595C>T (p.Leu2199Phe)

Gene: DSP (desmoplakin; plus strand). Cytogenetic location: 6p24.3.
Variant type: single nucleotide variant.
Coding change: c.6595C>T on transcript NM_004415.4 (MANE Select); coding-DNA position 6595, C replaced by T.
Protein change: p.Leu2199Phe; replaces leucine 2199 with phenylalanine.
Molecular consequence: missense variant.
Genome position (GRCh38, 1-based): chr6:7,583,857, C>T. VCF-style: chr6-7583857-C-T. GRCh37 (hg19) VCF-style: chr6-7584090-C-T.
Other names: c.4798C>T, p.Leu1600Phe (NM_001008844.3); c.5266C>T, p.Leu1756Phe (NM_001319034.2); short protein forms L1600F, L2199F, L1756F.
Identifiers: ClinVar variation 854636 (VCV000854636.18), dbSNP rs549451471, ClinGen allele CA133975120.

ClinVar aggregate classification (germline): Conflicting classifications of pathogenicity. Review status: criteria provided, conflicting classifications (1 of 4 stars). 6 submissions from 6 submitters: Uncertain significance (5); Likely benign (1). Last evaluated 2025-11-22.

Conditions:
Cardiomyopathy (CMYO). Also called: Cardiomyopathies. Identifiers: Orphanet 167848, MedGen C0878544, MONDO:0004994, HP:0001638. Inheritance: Various modes of inheritance.
Arrhythmogenic right ventricular dysplasia 8 (ARVD8). Also called: ARRHYTHMOGENIC RIGHT VENTRICULAR DYSPLASIA, FAMILIAL, 8; ARRHYTHMOGENIC RIGHT VENTRICULAR CARDIOMYOPATHY 8; Arrhythmogenic Right Ventricular Dysplasia/Cardiomyopathy 8. Identifiers: MedGen C1843896, MONDO:0011831, OMIM 607450.
Arrhythmogenic cardiomyopathy with wooly hair and keratoderma. Also called: Dilated cardiomyopathy with woolly hair and keratoderma; PALMOPLANTAR KERATODERMA WITH LEFT VENTRICULAR CARDIOMYOPATHY AND WOOLLY HAIR; Carvajal syndrome; Arrhythmogenic cardiomyopathy with woolly hair and keratoderma. Identifiers: Orphanet 65282, MedGen C1854063, MONDO:0011581, OMIM 605676.
Cardiovascular phenotype. Identifiers: MedGen CN230736.
Lethal acantholytic epidermolysis bullosa (EBLA). Identifiers: Orphanet 158687, MedGen C1864826, MONDO:0012323, OMIM 609638.
Keratosis palmoplantaris striata 2. Also called: KERATODERMA, PALMOPLANTAR, STRIATE FORM II; STRIATE PALMOPLANTAR KERATODERMA II; Keratosis palmoplantaris striata II. Identifiers: MedGen C1852127, MONDO:0013034, OMIM 612908.
Woolly hair-skin fragility syndrome (WHSF). Identifiers: Orphanet 293165, MedGen C1843292, MONDO:0957307, OMIM 620415.
Cardiomyopathy, dilated, with wooly hair, keratoderma, and tooth agenesis. Also called: Cardiomyopathy, dilated, with woolly hair, keratoderma, and tooth agenesis; Erythrokeratodermia-cardiomyopathy syndrome. Identifiers: Orphanet 476096, Orphanet 65282, MedGen C4014393, MONDO:0014355, OMIM 615821.

Allele frequency attached by ClinVar (database versions not stated): gnomAD exomes below 0.00001; TOPMed 0.00002; gnomAD 0.00004; 1000 Genomes Project 30x 0.00016; 1000 Genomes Project 0.00020.
gnomAD v4.1: 13 of 1,614,108 alleles (0.00081%); highest among the groups gnomAD compares: African/African-American, 0.016%; no homozygotes.

Submissions (6):

Ambry Genetics
Classification: Uncertain significance for Cardiovascular phenotype. Last evaluated: 2025-11-22. Review status: criteria provided, single submitter. Criteria: Ambry Variant Classification Scheme 2023. Collection method: clinical testing. Allele origin: germline.
Comment: The p.L2199F variant (also known as c.6595C>T), located in coding exon 24 of the DSP gene, results from a C to T substitution at nucleotide position 6595. The leucine at codon 2199 is replaced by phenylalanine, an amino acid with highly similar properties. This amino acid position is conserved. In addition, this alteration is predicted to be tolerated by in silico analysis. Since supporting evidence is limited at this time, the clinical significance of this alteration remains unclear.

All of Us Research Program, National Institutes of Health
Classification: Uncertain significance for Arrhythmogenic cardiomyopathy with wooly hair and keratoderma. Last evaluated: 2024-02-22. Review status: criteria provided, single submitter. Criteria: ACMG Guidelines, 2015. Collection method: clinical testing. Allele origin: germline. Inheritance: Autosomal dominant inheritance. Observed: 3 variant alleles, 3 heterozygotes.
Comment: This missense variant replaces leucine with phenylalanine at codon 2199 of the DSP protein. Computational prediction suggests that this variant may not impact protein structure and function (internally defined REVEL score threshold <= 0.5, PMID: 27666373). To our knowledge, functional studies have not been reported for this variant. This variant has not been reported in individuals affected with DSP-related disorders in the literature. This variant has been identified in 1/251452 chromosomes in the general population by the Genome Aggregation Database (gnomAD). The available evidence is insufficient to determine the role of this variant in disease conclusively. Therefore, this variant is classified as a Variant of Uncertain Significance.

This study involves interpretation of variants in research participants for the purpose of population health screening. Participant phenotype was not available at the time of variant classification. Additional details can be found in publication PMID: 35346344, PMCID: PMC8962531

Color Diagnostics, LLC DBA Color Health
Classification: Uncertain significance for Cardiomyopathy. Last evaluated: 2024-01-30. Review status: criteria provided, single submitter. Criteria: ACMG Guidelines, 2015. Collection method: clinical testing. Allele origin: germline.
Comment: This missense variant replaces leucine with phenylalanine at codon 2199 of the DSP protein. Computational prediction suggests that this variant may not impact protein structure and function. To our knowledge, functional studies have not been reported for this variant. This variant has not been reported in individuals affected with DSP-related disorders in the literature. This variant has been identified in 1/251452 chromosomes in the general population by the Genome Aggregation Database (gnomAD). The available evidence is insufficient to determine the role of this variant in disease conclusively. Therefore, this variant is classified as a Variant of Uncertain Significance.

ARUP Laboratories, Molecular Genetics and Genomics, ARUP Laboratories
Classification: Uncertain significance. Last evaluated: 2023-12-26. Review status: criteria provided, single submitter. Criteria: ARUP Molecular Germline Variant Investigation Process 2024. Collection method: clinical testing. Allele origin: germline.
Comment: The DSP c.6595C>T p.Leu2199Phe variant (rs549451471), to our knowledge, is not reported in the medical literature but is reported in ClinVar (Variation ID: 854636). This variant is only observed on one allele in the Genome Aggregation Database (v2.1.1), indicating it is not a common polymorphism. Computational analyses are uncertain whether this variant is neutral or deleterious (REVEL: 0.254). Due to limited information, the clinical significance of this variant is uncertain at this time.

Labcorp Genetics (formerly Invitae), Labcorp
Classification: Likely benign for Arrhythmogenic cardiomyopathy with wooly hair and keratoderma; Arrhythmogenic right ventricular dysplasia 8. Last evaluated: 2023-11-22. Review status: criteria provided, single submitter. Criteria: Invitae Variant Classification Sherloc (09022015). Collection method: clinical testing. Allele origin: germline.

Fulgent Genetics
Classification: Uncertain significance for Arrhythmogenic cardiomyopathy with wooly hair and keratoderma; Arrhythmogenic right ventricular dysplasia 8; Lethal acantholytic epidermolysis bullosa; Keratosis palmoplantaris striata 2; Cardiomyopathy, dilated, with wooly hair, keratoderma, and tooth agenesis. Last evaluated: 2021-10-14. Review status: criteria provided, single submitter. Criteria: ACMG Guidelines, 2015. Collection method: clinical testing. Allele origin: unknown.